The following is an entry in ClinVar:

NM_207352.4(CYP4V2):c.709C>T (p.Pro237Ser)

Gene: CYP4V2 (cytochrome P450 family 4 subfamily V member 2; plus strand). Cytogenetic location: 4q35.1.
Variant type: single nucleotide variant.
Coding change: c.709C>T on transcript NM_207352.4 (MANE Select); coding-DNA position 709, C replaced by T.
Protein change: p.Pro237Ser; replaces proline 237 with serine.
Molecular consequence: missense variant.
Genome position (GRCh38, 1-based): chr4:186,198,991, C>T. VCF-style: chr4-186198991-C-T. GRCh37 (hg19) VCF-style: chr4-187120145-C-T.
Other names: short protein forms P237S.
Identifiers: ClinVar variation 3382345 (VCV003382345.2).

ClinVar aggregate classification (germline): Uncertain significance (1 of 4 stars; one submission).

Conditions:
Bietti crystalline corneoretinal dystrophy (BCD). Also called: BIETTI TAPETORETINAL DEGENERATION WITH MARGINAL CORNEAL DYSTROPHY; Bietti Crystalline Dystrophy. Identifiers: Orphanet 41751, MedGen C1859486, MONDO:0008865, OMIM 210370.

Submission:

Juno Genomics, Hangzhou Juno Genomics, Inc
Classification: Uncertain significance for Bietti crystalline corneoretinal dystrophy. Review status: criteria provided, single submitter. Criteria: ACMG Guidelines, 2015. Collection method: clinical testing. Allele origin: germline. Affected: yes.
Comment: Absent from controls (or at extremely low frequency if recessive) in Genome Aggregation Database, Exome Sequencing Project, 1000 Genomes Project, or Exome Aggregation Consortium.;For recessive disorders, detected in trans with a pathogenic variant.